The following is an entry in ClinVar:

NM_001283009.2(RTEL1):c.341G>A (p.Arg114Lys)

Genes: RTEL1 (regulator of telomere elongation helicase 1; plus strand), RTEL1-TNFRSF6B (RTEL1-TNFRSF6B readthrough (NMD candidate); plus strand). Cytogenetic location: 20q13.33.
Variant type: single nucleotide variant.
Coding change: c.341G>A on transcript NM_001283009.2 (MANE Select); coding-DNA position 341, G replaced by A.
Protein change: p.Arg114Lys; replaces arginine 114 with lysine.
Molecular consequence: missense variant. On other transcripts: non-coding transcript variant (1), 5 prime UTR variant (1).
Genome position (GRCh38, 1-based): chr20:63,661,889, G>A. VCF-style: chr20-63661889-G-A. GRCh37 (hg19) VCF-style: chr20-62293242-G-A.
Other names: c.-329G>A (NM_001283010.1); c.341G>A, p.Arg114Lys (NM_016434.4, NM_032957.5); short protein forms R114K.
Identifiers: ClinVar variation 3948465 (VCV003948465.1).
Genomic context (GRCh38, chr20:63,661,889, plus strand): 5'-TGCTTGCTTGTGTCTGGTCAGCTTGCTACACGGACATCCCAAAGATTATTTACGCCTCCA[G>A]GACCCACTCGCAACTCACACAGGTCATCAACGAGCTTCGGAACACCTCCTACCGGTGGGT-3'
Protein context (NP_001269938.1, residues 104-124): TDIPKIIYAS[Arg114Lys]THSQLTQVIN

ClinVar aggregate classification (germline): Uncertain significance (1 of 4 stars; one submission).

Conditions:
Inborn genetic diseases. Identifiers: MedGen C0950123, MeSH D030342.

Submission:

Ambry Genetics
Classification: Uncertain significance for Inborn genetic diseases. Last evaluated: 2025-06-07. Review status: criteria provided, single submitter. Criteria: Ambry Variant Classification Scheme 2023. Collection method: clinical testing. Allele origin: germline.
Comment: The p.R114K variant (also known as c.341G>A), located in coding exon 3 of the RTEL1 gene, results from a G to A substitution at nucleotide position 341. The arginine at codon 114 is replaced by lysine, an amino acid with highly similar properties. This amino acid position is conserved. In addition, this alteration is predicted to be deleterious by in silico analysis. Based on the available evidence, the clinical significance of this variant remains unclear.